The following is an entry in ClinVar:

ClinVar aggregate classification (germline): Uncertain significance. Review status: criteria provided, multiple submitters, no conflicts (2 of 4 stars). 4 submissions from 4 submitters: Uncertain significance (4). Last evaluated 2024-10-13.

Conditions:
Wolfram syndrome 1 (WFS1). Identifiers: Orphanet 3463, MedGen C4551693, MONDO:0009101, OMIM 222300.
Cataract 41 (CTRCT41). Also called: CATARACT 41, CONGENITAL NUCLEAR TYPE. Identifiers: Orphanet 91492, Orphanet 98991, Orphanet 98992, Orphanet 98995, MedGen C3805412, MONDO:0007287, OMIM 116400.
Type 2 diabetes mellitus. Also called: Type II diabetes mellitus. Identifiers: MedGen C0011860, MeSH D003924, MONDO:0005148, OMIM 125853, HP:0005978.
Autosomal dominant nonsyndromic hearing loss 6 (LFSNHL). Also called: DEAFNESS, AUTOSOMAL DOMINANT 6; DEAFNESS, AUTOSOMAL DOMINANT 14; DEAFNESS, AUTOSOMAL DOMINANT 38; Autosomal dominant nonsyndromic deafness 6. Identifiers: Orphanet 90635, MedGen C1833021, MONDO:0010963, OMIM 600965.
Wolfram-like syndrome. Also called: HEARING LOSS, PROGRESSIVE, WITH OPTIC ATROPHY AND/OR IMPAIRED GLUCOSE REGULATION. Identifiers: Orphanet 411590, MedGen C3280358, MONDO:0013673, OMIM 614296.

Allele frequency attached by ClinVar (database versions not stated): gnomAD exomes 0.00001; gnomAD 0.00001.
gnomAD v4.1: 11 of 1,611,072 alleles (0.00068%); highest among the groups gnomAD compares: Admixed American, 0.0017%; no homozygotes.

Submissions (4):

Labcorp Genetics (formerly Invitae), Labcorp
Classification: Uncertain significance. Last evaluated: 2024-10-13. Review status: criteria provided, single submitter. Criteria: Invitae Variant Classification Sherloc (09022015). Collection method: clinical testing. Allele origin: germline.
Comment: This sequence change replaces valine, which is neutral and non-polar, with isoleucine, which is neutral and non-polar, at codon 501 of the WFS1 protein (p.Val501Ile). This variant is present in population databases (no rsID available, gnomAD 0.004%). This variant has not been reported in the literature in individuals affected with WFS1-related conditions. ClinVar contains an entry for this variant (Variation ID: 1341636). Invitae Evidence Modeling of protein sequence and biophysical properties (such as structural, functional, and spatial information, amino acid conservation, physicochemical variation, residue mobility, and thermodynamic stability) indicates that this missense variant is not expected to disrupt WFS1 protein function with a negative predictive value of 95%. In summary, the available evidence is currently insufficient to determine the role of this variant in disease. Therefore, it has been classified as a Variant of Uncertain Significance.

Blueprint Genetics
Classification: Uncertain significance. Last evaluated: 2024-08-26. Review status: criteria provided, single submitter. Criteria: ACMG Guidelines, 2015. Collection method: clinical testing. Allele origin: germline.

Fulgent Genetics
Classification: Uncertain significance for Cataract 41; Type 2 diabetes mellitus; Wolfram syndrome 1; Autosomal dominant nonsyndromic hearing loss 6; Wolfram-like syndrome. Last evaluated: 2024-04-28. Review status: criteria provided, single submitter. Criteria: ACMG Guidelines, 2015. Collection method: clinical testing. Allele origin: germline.

GeneDx
Classification: Uncertain significance. Last evaluated: 2021-08-11. Review status: criteria provided, single submitter. Criteria: GeneDx Variant Classification Process June 2021. Collection method: clinical testing. Allele origin: germline. Affected: yes.
Comment: Not observed at significant frequency in large population cohorts (gnomAD); In silico analysis supports that this missense variant does not alter protein structure/function; Has not been previously published as pathogenic or benign to our knowledge

NM_006005.3(WFS1):c.1501G>A (p.Val501Ile)

Gene: WFS1 (wolframin ER transmembrane glycoprotein; plus strand). Cytogenetic location: 4p16.1.
Variant type: single nucleotide variant.
Coding change: c.1501G>A on transcript NM_006005.3 (MANE Select); coding-DNA position 1501, G replaced by A.
Protein change: p.Val501Ile; replaces valine 501 with isoleucine.
Molecular consequence: missense variant.
Genome position (GRCh38, 1-based): chr4:6,301,296, G>A. VCF-style: chr4-6301296-G-A. GRCh37 (hg19) VCF-style: chr4-6303023-G-A.
Other names: c.1501G>A, p.Val501Ile (NM_001145853.1); short protein forms V501I.
Identifiers: ClinVar variation 1341636 (VCV001341636.6), dbSNP rs1343901456, ClinGen allele CA356175204.